The following is an entry in ClinVar:

ClinVar aggregate classification (germline): Uncertain significance. Review status: criteria provided, multiple submitters, no conflicts (2 of 4 stars). 2 submissions from 2 submitters: Uncertain significance (2). Last evaluated 2024-09-30.

Conditions:
Hereditary cancer-predisposing syndrome. Also called: Neoplastic Syndromes, Hereditary; Tumor predisposition; Hereditary neoplastic syndrome; Hereditary Cancer Syndrome. Identifiers: Orphanet 140162, MedGen C0027672, MeSH D009386, MONDO:0015356.

gnomAD v4.1: 1 of 1,613,998 alleles (0.000062%); highest among the groups gnomAD compares: Admixed American, 0.0017%; no homozygotes.

Submissions (2):

Ambry Genetics
Classification: Uncertain significance for Hereditary cancer-predisposing syndrome. Last evaluated: 2024-09-30. Review status: criteria provided, single submitter. Criteria: Ambry Variant Classification Scheme 2023. Collection method: clinical testing. Allele origin: germline.
Comment: The p.P2045T variant (also known as c.6133C>A), located in coding exon 44 of the POLE gene, results from a C to A substitution at nucleotide position 6133. The proline at codon 2045 is replaced by threonine, an amino acid with highly similar properties. This amino acid position is conserved. In addition, the in silico prediction for this alteration is inconclusive. Based on the available evidence, the clinical significance of this variant remains unclear.

Labcorp Genetics (formerly Invitae), Labcorp
Classification: Uncertain significance. Last evaluated: 2021-12-03. Review status: criteria provided, single submitter. Criteria: Invitae Variant Classification Sherloc (09022015). Collection method: clinical testing. Allele origin: germline.
Comment: In summary, the available evidence is currently insufficient to determine the role of this variant in disease. Therefore, it has been classified as a Variant of Uncertain Significance. Algorithms developed to predict the effect of missense changes on protein structure and function are either unavailable or do not agree on the potential impact of this missense change (SIFT: "Deleterious"; PolyPhen-2: "Benign"; Align-GVGD: "Class C0"). This variant has not been reported in the literature in individuals affected with POLE-related conditions. This variant is not present in population databases (gnomAD no frequency). This sequence change replaces proline, which is neutral and non-polar, with threonine, which is neutral and polar, at codon 2045 of the POLE protein (p.Pro2045Thr).

NM_006231.4(POLE):c.6133C>A (p.Pro2045Thr)

Gene: POLE (DNA polymerase epsilon, catalytic subunit; minus strand). Cytogenetic location: 12q24.33.
Variant type: single nucleotide variant.
Coding change: c.6133C>A on transcript NM_006231.4 (MANE Select); coding-DNA position 6133, C replaced by A.
Protein change: p.Pro2045Thr; replaces proline 2045 with threonine.
Molecular consequence: missense variant.
Genome position (GRCh38, 1-based): chr12:132,632,667, G>T on the plus strand (C>A on the coding strand, the complement: POLE is on the minus strand). VCF-style: chr12-132632667-G-T. GRCh37 (hg19) VCF-style: chr12-133209253-G-T.
Other names: c.6133C>A (NM_006231.2); short protein forms P2045T.
Identifiers: ClinVar variation 1370554 (VCV001370554.7), dbSNP rs910631094, ClinGen allele CA387370210.
Genomic context (GRCh38, chr12:132,632,667, plus strand): 5'-AGAGGAGTTAGGTCACTGGCACATGGCAGTGGCCTCAAAAGACAAAAGACTGCTCACCGG[G>T]AAGGGCTCCGACCGCCCCCTCGGCCTCCTGGGAGAGCTGGCTGGCCCCCCTCCTCCTCAC-3'
Protein context (NP_006222.2, residues 2035-2055): QEAEGAVGAL[Pro2045Thr]GMITFSQDYV